The following is an entry in ClinVar:

NM_001458.5(FLNC):c.6354C>A (p.His2118Gln)

Genes: FLNC (filamin C; plus strand), FLNC-AS1 (FLNC antisense RNA 1; minus strand). Cytogenetic location: 7q32.1.
Variant type: single nucleotide variant.
Coding change: c.6354C>A on transcript NM_001458.5 (MANE Select); coding-DNA position 6354, C replaced by A.
Protein change: p.His2118Gln; replaces histidine 2118 with glutamine.
Molecular consequence: missense variant.
Genome position (GRCh38, 1-based): chr7:128,853,614, C>A. VCF-style: chr7-128853614-C-A. GRCh37 (hg19) VCF-style: chr7-128493668-C-A.
Other names: c.6255C>A, p.His2085Gln (NM_001127487.2); short protein forms H2085Q, H2118Q.
Identifiers: ClinVar variation 2010773 (VCV002010773.4), dbSNP rs368455239, ClinGen allele CA369212346.
Genomic context (GRCh38, chr7:128,853,614, plus strand): 5'-CACCTACTGCCCCACCGAGCCCGGCACCTACATCATCAACATCAAGTTTGCTGACAAGCA[C>A]GTGCCTGGTAAGGCTCTGGGCAGAGGTCGGTGGCGAGAGACAGGGAGGCCAGGAGGCTGG-3'
Protein context (NP_001449.3, residues 2108-2128): YIINIKFADK[His2118Gln]VPGSPFTVKV

ClinVar aggregate classification (germline): Uncertain significance (1 of 4 stars; one submission).

Conditions:
Myofibrillar myopathy 5. Also called: Filaminopathy (type); FILAMINOPATHY, AUTOSOMAL DOMINANT. Identifiers: Orphanet 171445, MedGen C1836050, MONDO:0012289, OMIM 609524.
Hypertrophic cardiomyopathy 26. Also called: Cardiomyopathy, familial hypertrophic, 26. Identifiers: Orphanet 75249, MedGen C4310749, MONDO:0014883, OMIM 617047.
Distal myopathy with posterior leg and anterior hand involvement. Also called: WILLIAMS DISTAL MYOPATHY. Identifiers: Orphanet 63273, MedGen C3279722, MONDO:0013550, OMIM 614065.

Submission:

Labcorp Genetics (formerly Invitae), Labcorp
Classification: Uncertain significance for Distal myopathy with posterior leg and anterior hand involvement; Myofibrillar myopathy 5; Hypertrophic cardiomyopathy 26. Last evaluated: 2022-06-26. Review status: criteria provided, single submitter. Criteria: Invitae Variant Classification Sherloc (09022015). Collection method: clinical testing. Allele origin: germline.
Comment: In summary, the available evidence is currently insufficient to determine the role of this variant in disease. Therefore, it has been classified as a Variant of Uncertain Significance. Algorithms developed to predict the effect of missense changes on protein structure and function are either unavailable or do not agree on the potential impact of this missense change (SIFT: "Deleterious"; PolyPhen-2: "Probably Damaging"; Align-GVGD: "Class C0"). This variant has not been reported in the literature in individuals affected with FLNC-related conditions. This variant is not present in population databases (gnomAD no frequency). This sequence change replaces histidine, which is basic and polar, with glutamine, which is neutral and polar, at codon 2118 of the FLNC protein (p.His2118Gln).